The following is an entry in ClinVar:

ClinVar aggregate classification (germline): Uncertain significance (1 of 4 stars; one submission).

Conditions:
Arrhythmogenic right ventricular cardiomyopathy (ARVD). Also called: Arrhythmogenic right ventricular dysplasia; Cardiomyopathy, ARVC; Arrhythmogenic cardiomyopathy; Arrhythmogenic Right Ventricular Cardiomyopathy (ARVC). Identifiers: Orphanet 247, MedGen C0349788, MeSH D019571, MONDO:0016587. Disease mechanism: loss of function. Inheritance: Various modes of inheritance.

Submission:

All of Us Research Program, National Institutes of Health
Classification: Uncertain significance for Arrhythmogenic right ventricular cardiomyopathy. Last evaluated: 2023-03-07. Review status: criteria provided, single submitter. Criteria: ACMG Guidelines, 2015. Collection method: clinical testing. Allele origin: germline. Inheritance: Autosomal dominant inheritance. Observed: 1 variant allele, 1 heterozygote.
Comment: This missense variant replaces glutamic acid with lysine at codon 852 of the DSG2 protein. Computational prediction suggests that this variant may not impact protein structure and function (internally defined REVEL score threshold <= 0.5, PMID: 27666373). To our knowledge, functional studies have not been reported for this variant. This variant has not been reported in individuals affected with DSG2-related disorders in the literature. This variant has not been identified in the general population by the Genome Aggregation Database (gnomAD). The available evidence is insufficient to determine the role of this variant in disease conclusively. Therefore, this variant is classified as a Variant of Uncertain Significance.

This study involves interpretation of variants in research participants for the purpose of population health screening. Participant phenotype was not available at the time of variant classification. Additional details can be found in publication PMID: 35346344, PMCID: PMC8962531

NM_001943.5(DSG2):c.2554G>A (p.Glu852Lys)

Genes: DSG2 (desmoglein 2; plus strand), DSG2-AS1 (DSG2 antisense RNA 1; minus strand). Cytogenetic location: 18q12.1.
Variant type: single nucleotide variant.
Coding change: c.2554G>A on transcript NM_001943.5 (MANE Select); coding-DNA position 2554, G replaced by A.
Protein change: p.Glu852Lys; replaces glutamic acid 852 with lysine.
Molecular consequence: missense variant.
Genome position (GRCh38, 1-based): chr18:31,545,940, G>A. VCF-style: chr18-31545940-G-A. GRCh37 (hg19) VCF-style: chr18-29125903-G-A.
Other names: short protein forms E852K.
Identifiers: ClinVar variation 3069759 (VCV003069759.1), dbSNP rs2510922295, ClinGen allele CA402145039.